The following is an entry in ClinVar:

NM_001048174.2(MUTYH):c.304+2T>C

Gene: MUTYH (mutY DNA glycosylase; minus strand). Cytogenetic location: 1p34.1.
Variant type: single nucleotide variant.
Coding change: c.304+2T>C on transcript NM_001048174.2 (MANE Select); the canonical splice donor site of the intron after coding-DNA position 304, T replaced by C.
Molecular consequence: splice donor variant.
Genome position (GRCh38, 1-based): chr1:45,333,283, A>G on the plus strand (T>C on the coding strand, the complement: MUTYH is on the minus strand). VCF-style: chr1-45333283-A-G. GRCh37 (hg19) VCF-style: chr1-45798955-A-G.
Other names: c.304+2T>C (NM_001407072.1, NM_001048171.2, NM_001407070.1 and 6 more transcripts); c.33+2T>C (NM_001350651.2, NM_001350650.2, NM_001407082.1); c.28+2T>C (NM_001293192.2, NM_001293196.2, NM_001407091.1); c.346+2T>C (NM_001407073.1, NM_001407083.1, NM_001407085.1); c.349+2T>C (NM_001293190.2); c.379+2T>C (NM_001407069.1, NM_012222.3); c.388+2T>C (NM_001128425.2); c.307+2T>C (NM_001407071.1, NM_001407079.1, NM_001048172.2 and 2 more transcripts); and 3 more.
Identifiers: ClinVar variation 2453359 (VCV002453359.5), dbSNP rs2524243548, ClinGen allele CA340136223.

ClinVar aggregate classification (germline): Likely pathogenic. Review status: criteria provided, multiple submitters, no conflicts (2 of 4 stars). 3 submissions from 3 submitters: Likely pathogenic (3). Last evaluated 2025-03-14.

Conditions:
Familial adenomatous polyposis 2. Also called: ADENOMAS, MULTIPLE COLORECTAL, AUTOSOMAL RECESSIVE; MUTYH-related attenuated familial adenomatous polyposis; MUTYH-associated polyposis; Adenomas, multiple colorectal; COLORECTAL ADENOMATOUS POLYPOSIS, AUTOSOMAL RECESSIVE; MYH-associated polyposis. Identifiers: Orphanet 220460, Orphanet 247798, MedGen C3272841, MONDO:0012041, OMIM 608456.
Hereditary cancer-predisposing syndrome. Also called: Hereditary neoplastic syndrome; Hereditary Cancer Syndrome; Tumor predisposition; Neoplastic Syndromes, Hereditary. Identifiers: Orphanet 140162, MedGen C0027672, MeSH D009386, MONDO:0015356.

Submissions (3):

Labcorp Genetics (formerly Invitae), Labcorp
Classification: Likely pathogenic for Familial adenomatous polyposis 2. Last evaluated: 2025-03-14. Review status: criteria provided, single submitter. Criteria: Invitae Variant Classification Sherloc (09022015). Collection method: clinical testing. Allele origin: germline.
Comment: This sequence change affects a donor splice site in intron 4 of the MUTYH gene. It is expected to disrupt RNA splicing. Variants that disrupt the donor or acceptor splice site typically lead to a loss of protein function (PMID: 16199547), and loss-of-function variants in MUTYH are known to be pathogenic (PMID: 18534194, 20663686). This variant is not present in population databases (gnomAD no frequency). This variant has not been reported in the literature in individuals affected with MUTYH-related conditions. ClinVar contains an entry for this variant (Variation ID: 2453359). Algorithms developed to predict the effect of sequence changes on RNA splicing suggest that this variant may disrupt the consensus splice site. In summary, the currently available evidence indicates that the variant is pathogenic, but additional data are needed to prove that conclusively. Therefore, this variant has been classified as Likely Pathogenic.

Ambry Genetics
Classification: Likely pathogenic for Hereditary cancer-predisposing syndrome. Last evaluated: 2024-12-17. Review status: criteria provided, single submitter. Criteria: Ambry Variant Classification Scheme 2023. Collection method: clinical testing. Allele origin: germline.
Comment: The c.388+2T>C intronic variant results from a T to C substitution two nucleotides after coding exon 4 in the MUTYH gene. This variant is considered to be rare based on population cohorts in the Genome Aggregation Database (gnomAD). This nucleotide position is well conserved in available vertebrate species. In silico splice site analysis predicts that this alteration will weaken the native splice donor site; however, direct evidence is insufficient at this time (Ambry internal data). Alterations that disrupt the canonical splice site are expected to cause aberrant splicing, resulting in an abnormal protein or a transcript that is subject to nonsense-mediated mRNA decay. As such, this alteration is classified as likely pathogenic.

Baylor Genetics
Classification: Likely pathogenic for Familial adenomatous polyposis 2. Last evaluated: 2023-05-18. Review status: criteria provided, single submitter. Criteria: ACMG Guidelines, 2015. Collection method: clinical testing. Allele origin: unknown.

Literature cited by the submitters: PubMed 16199547 (cited by Labcorp Genetics (formerly Invitae), Labcorp); PubMed 18534194 (cited by Labcorp Genetics (formerly Invitae), Labcorp); PubMed 20663686 (cited by Labcorp Genetics (formerly Invitae), Labcorp).